The following is an entry in ClinVar:

NM_001042492.3(NF1):c.4980dup (p.Lys1661Ter)

Gene: NF1 (neurofibromin 1; plus strand). Cytogenetic location: 17q11.2.
Variant type: Duplication.
Coding change: c.4980dup on transcript NM_001042492.3 (MANE Select); coding-DNA position 4980, one base duplicated (T; older notation c.4980dupT).
Protein change: p.Lys1661Ter; replaces lysine 1661 with a stop codon.
Molecular consequence: nonsense. On other transcripts: frameshift variant (1).
Genome position (GRCh38, 1-based): chr17:31,325,964, T duplicated. VCF-style (leftmost placement, unchanged base first): chr17-31325963-C-CT. GRCh37 (hg19) VCF-style: chr17-29652981-C-CT.
Other names: c.4917dup, p.Lys1640Terfs (NM_000267.4); short protein forms K1661*, K1640*.
Identifiers: ClinVar variation 1360877 (VCV001360877.15), dbSNP rs2069329774, ClinGen allele CA658760977.

ClinVar aggregate classification (germline): Pathogenic/Likely pathogenic. Review status: criteria provided, multiple submitters, no conflicts (2 of 4 stars). 7 submissions from 7 submitters: Pathogenic (6); Likely pathogenic (1). Last evaluated 2025-01-20.

Conditions:
Neurofibromatosis, type 1 (NF1). Also called: Peripheral type neurofibromatosis; Neurofibromatosis, type I; VON RECKLINGHAUSEN DISEASE; NEUROFIBROMATOSIS, TYPE I, SOMATIC. Identifiers: Orphanet 636, MedGen C0027831, MONDO:0018975, OMIM 162200. Disease mechanism: loss of function.
NF1-related disorder. Also called: NF1-related condition. Identifiers: MedGen CN379171.
Neurofibromatosis-Noonan syndrome (NFNS). Also called: NEUROFIBROMATOSIS WITH NOONAN PHENOTYPE. Identifiers: Orphanet 638, MedGen C2931482, MONDO:0011035, OMIM 601321. Disease mechanism: loss of function.
Café-au-lait macules with pulmonary stenosis (WTSN). Also called: PULMONIC STENOSIS WITH CAFE-AU-LAIT SPOTS. Identifiers: MedGen C0553586, MONDO:0008672, OMIM 193520.
Juvenile myelomonocytic leukemia (JMML). Also called: LEUKEMIA, JUVENILE MYELOMONOCYTIC, SOMATIC. Identifiers: Orphanet 86834, MedGen C0349639, MONDO:0011908, OMIM 607785, HP:0012209.
Neurofibromatosis, familial spinal (FSNF). Identifiers: Orphanet 636, MedGen C1834235, MONDO:0008078, OMIM 162210. Disease mechanism: loss of function.

Allele frequency attached by ClinVar (database versions not stated): TOPMed below 0.00001.

Submissions (7):

3billion
Classification: Pathogenic for Neurofibromatosis, type 1. Last evaluated: 2025-01-20. Review status: criteria provided, single submitter. Criteria: ACMG Guidelines, 2015. Collection method: clinical testing. Allele origin: germline. Affected: yes.
Comment: The variant is not observed in the gnomAD v4.1.0 dataset. Predicted Consequence/Location: Stop-gained (nonsense): predicted to result in a loss or disruption of normal protein function through nonsense-mediated decay (NMD) or protein truncation. Multiple pathogenic variants are reported downstream of the variant. The variant has been reported at least twice as pathogenic with clinical assertions and evidence for the classification (ClinVar ID: VCV001360877 /PMID: 23913538 /3billion dataset). Therefore, this variant is classified as Pathogenic according to the recommendation of ACMG/AMP guideline.

GeneDx
Classification: Pathogenic. Last evaluated: 2025-01-15. Review status: criteria provided, single submitter. Criteria: GeneDx Variant Classification Process June 2021. Collection method: clinical testing. Allele origin: germline. Affected: yes.
Comment: Nonsense variant predicted to result in protein truncation or nonsense mediated decay in a gene for which loss of function is a known mechanism of disease; Not observed at significant frequency in large population cohorts (gnomAD); This variant is associated with the following publications: (PMID: 23913538)

Labcorp Genetics (formerly Invitae), Labcorp
Classification: Pathogenic for Neurofibromatosis, type 1. Last evaluated: 2024-12-17. Review status: criteria provided, single submitter. Criteria: Invitae Variant Classification Sherloc (09022015). Collection method: clinical testing. Allele origin: germline.
Comment: This sequence change creates a premature translational stop signal (p.Lys1640*) in the NF1 gene. It is expected to result in an absent or disrupted protein product. Loss-of-function variants in NF1 are known to be pathogenic (PMID: 10712197, 23913538). This variant is not present in population databases (gnomAD no frequency). This premature translational stop signal has been observed in individual(s) with neurofibromatosis type 1 (PMID: 23913538). ClinVar contains an entry for this variant (Variation ID: 1360877). For these reasons, this variant has been classified as Pathogenic.

Genome-Nilou Lab
Classification: Pathogenic for Neurofibromatosis, type 1. Last evaluated: 2022-03-15. Review status: criteria provided, single submitter. Criteria: ACMG Guidelines, 2015. Collection method: clinical testing. Allele origin: germline. Affected: no.

Fulgent Genetics
Classification: Likely pathogenic for Neurofibromatosis, type 1; Neurofibromatosis, familial spinal; Café-au-lait macules with pulmonary stenosis; Neurofibromatosis-Noonan syndrome; Juvenile myelomonocytic leukemia. Last evaluated: 2022-01-05. Review status: criteria provided, single submitter. Criteria: ACMG Guidelines, 2015. Collection method: clinical testing. Allele origin: unknown.

Blueprint Genetics
Classification: Pathogenic for NF1-related disorders. Last evaluated: 2019-08-14. Review status: criteria provided, single submitter. Criteria: ACMG Guidelines, 2015. Collection method: clinical testing. Allele origin: germline. Affected: yes. Observed: 3 variant alleles.

Juno Genomics, Hangzhou Juno Genomics, Inc
Classification: Pathogenic for Neurofibromatosis, type 1. Review status: criteria provided, single submitter. Criteria: ACMG Guidelines, 2015. Collection method: clinical testing. Allele origin: germline. Affected: yes.
Comment: Absent from controls (or at extremely low frequency if recessive) in Genome Aggregation Database, Exome Sequencing Project, 1000 Genomes Project, or Exome Aggregation Consortium.;Null variant in a gene where loss of function (LOF) is a known mechanism of disease.;The prevalence of the variant in affected individuals is significantly increased compared to the prevalence in controls.;Patient's phenotype or family history is highly specific for a disease with a single genetic etiology.;Assumed de novo, but without confirmation of paternity and maternity.

Literature cited by the submitters: PubMed 23913538 (cited by 3billion and Labcorp Genetics (formerly Invitae), Labcorp); PubMed 10712197 (cited by Labcorp Genetics (formerly Invitae), Labcorp).